The following is an entry in ClinVar:

ClinVar aggregate classification (germline): Uncertain significance. Review status: criteria provided, multiple submitters, no conflicts (2 of 4 stars). 2 submissions from 2 submitters: Uncertain significance (2). Last evaluated 2023-10-02.

Conditions:
Cardiovascular phenotype. Identifiers: MedGen CN230736.

Allele frequency attached by ClinVar (database versions not stated): gnomAD 0.00002; gnomAD exomes 0.00003; ExAC 0.00004.
gnomAD v4.1: 40 of 1,610,946 alleles (0.0025%); highest among the groups gnomAD compares: South Asian, 0.0033%; no homozygotes.

Submissions (2):

Ambry Genetics
Classification: Uncertain significance for Cardiovascular phenotype. Last evaluated: 2023-10-02. Review status: criteria provided, single submitter. Criteria: Ambry Variant Classification Scheme 2023. Collection method: clinical testing. Allele origin: germline.
Comment: The p.A2936T variant (also known as c.8806G>A), located in coding exon 25 of the TNXB gene, results from a G to A substitution at nucleotide position 8806. The alanine at codon 2936 is replaced by threonine, an amino acid with similar properties. This amino acid position is conserved. In addition, this alteration is predicted to be tolerated by in silico analysis. Since supporting evidence is limited at this time, the clinical significance of this alteration remains unclear.

GeneDx
Classification: Uncertain significance. Last evaluated: 2023-04-26. Review status: criteria provided, single submitter. Criteria: GeneDx Variant Classification Process June 2021. Collection method: clinical testing. Allele origin: germline. Affected: yes.
Comment: In silico analysis supports that this missense variant does not alter protein structure/function; Has not been previously published as pathogenic or benign to our knowledge

NM_001365276.2(TNXB):c.8812G>A (p.Ala2938Thr)

Gene: TNXB (tenascin XB; minus strand). Cytogenetic location: 6p21.33.
Variant type: single nucleotide variant.
Coding change: c.8812G>A on transcript NM_001365276.2 (MANE Select); coding-DNA position 8812, G replaced by A.
Protein change: p.Ala2938Thr; replaces alanine 2938 with threonine.
Molecular consequence: missense variant.
Genome position (GRCh38, 1-based): chr6:32,052,973, C>T on the plus strand (G>A on the coding strand, the complement: TNXB is on the minus strand). VCF-style: chr6-32052973-C-T. GRCh37 (hg19) VCF-style: chr6-32020750-C-T.
Other names: c.8806G>A, p.Ala2936Thr (NM_019105.8); short protein forms A2936T, A2938T.
Identifiers: ClinVar variation 2662540 (VCV002662540.2), dbSNP rs780721675, ClinGen allele CA3733729.